The following is an entry in ClinVar:

ClinVar aggregate classification (germline): Uncertain significance (1 of 4 stars; one submission).

Submission:

GeneDx
Classification: Uncertain significance. Last evaluated: 2026-08-26. Review status: criteria provided, single submitter. Criteria: GeneDx Variant Classification Process June 2021. Collection method: clinical testing. Allele origin: germline.
Comment: Nonsense variant predicted to result in protein truncation or nonsense mediated decay in a gene or region of a gene for which loss of function is not a well-established mechanism of disease; Not observed at significant frequency in large population cohorts (gnomAD); This variant is associated with the following publications: (PMID: 33229591)

NM_170682.4(P2RX2):c.864dup (p.Asp289Ter)

Gene: P2RX2 (purinergic receptor P2X 2; plus strand). Cytogenetic location: 12q24.33.
Variant type: Duplication.
Coding change: c.864dup on transcript NM_170682.4 (MANE Select); coding-DNA position 864, one base duplicated (T; older notation c.864dupT).
Protein change: p.Asp289Ter; replaces aspartic acid 289 with a stop codon.
Molecular consequence: nonsense.
Genome position (GRCh38, 1-based): chr12:132,621,090, T duplicated; the last of 2 consecutive T bases (chr12:132,621,089-132,621,090); duplicating either gives the same sequence. VCF-style (leftmost placement, unchanged base first): chr12-132621088-C-CT. GRCh37 (hg19) VCF-style: chr12-133197674-C-CT.
Other names: c.762dup, p.Asp255Ter (NM_001282164.2); c.864dup, p.Asp289Ter (NM_001282165.2, NM_170683.4, NM_174873.3); c.648dup, p.Asp217Ter (NM_012226.5); c.792dup, p.Asp265Ter (NM_016318.4); c.588dup, p.Asp197Ter (NM_174872.3); short protein forms D197*, D217*, D255*, D265*, D289*.
Identifiers: ClinVar variation 4086477 (VCV004086477.2).
Genomic context (GRCh38, chr12:132,621,088, plus strand): 5'-TGGGACTGTGACCTGGACCTGCCTGCATCGGAGTGCAACCCCAAGTACTCCTTCCGGAGG[C>CT]TTGACCCCAAGCACGTGCCTGCCTCGTCAGGCTACAACTTCAGGTGCTGTACTTGGGACA-3'